The following is an entry in ClinVar:

NM_001042492.3(NF1):c.4682G>C (p.Ser1561Thr)

Gene: NF1 (neurofibromin 1; plus strand). Cytogenetic location: 17q11.2.
Variant type: single nucleotide variant.
Coding change: c.4682G>C on transcript NM_001042492.3 (MANE Select); coding-DNA position 4682, G replaced by C.
Protein change: p.Ser1561Thr; replaces serine 1561 with threonine.
Molecular consequence: missense variant.
Genome position (GRCh38, 1-based): chr17:31,261,815, G>C. VCF-style: chr17-31261815-G-C. GRCh37 (hg19) VCF-style: chr17-29588833-G-C.
Other names: c.4619G>C, p.Ser1540Thr (NM_000267.4); short protein forms S1540T, S1561T.
Identifiers: ClinVar variation 1000652 (VCV001000652.5), dbSNP rs751414513, ClinGen allele CA399000503.
Genomic context (GRCh38, chr17:31,261,815, plus strand): 5'-CACTTCTTGCATACCTGGGTCCTCCAGAGCACAAACCTGTGGCAGATACACACTGGTCCA[G>C]CCTTAACCTTACCAGTTCAAAGTTTGAGGAATTTATGACTAGGTAAAGTACAACCTTGAA-3'
Protein context (NP_001035957.1, residues 1551-1571): HKPVADTHWS[Ser1561Thr]LNLTSSKFEE

ClinVar aggregate classification (germline): Uncertain significance (1 of 4 stars; one submission).

Conditions:
Neurofibromatosis, type 1 (NF1). Also called: NEUROFIBROMATOSIS, TYPE I, SOMATIC; Peripheral type neurofibromatosis; VON RECKLINGHAUSEN DISEASE; Neurofibromatosis, type I. Identifiers: Orphanet 636, MedGen C0027831, MONDO:0018975, OMIM 162200. Disease mechanism: loss of function.

Submission:

Labcorp Genetics (formerly Invitae), Labcorp
Classification: Uncertain significance for Neurofibromatosis, type 1. Last evaluated: 2020-07-24. Review status: criteria provided, single submitter. Criteria: Invitae Variant Classification Sherloc (09022015). Collection method: clinical testing. Allele origin: germline.
Comment: This sequence change replaces serine with threonine at codon 1540 of the NF1 protein (p.Ser1540Thr). The serine residue is moderately conserved and there is a small physicochemical difference between serine and threonine. In summary, the available evidence is currently insufficient to determine the role of this variant in disease. Therefore, it has been classified as a Variant of Uncertain Significance. Algorithms developed to predict the effect of missense changes on protein structure and function are either unavailable or do not agree on the potential impact of this missense change (SIFT: "Tolerated"; PolyPhen-2: "Probably Damaging"; Align-GVGD: "Class C0"). This variant has not been reported in the literature in individuals with NF1-related conditions. This variant is not present in population databases (ExAC no frequency).